The following is an entry in ClinVar:

NM_000130.5(F5):c.197A>G (p.Tyr66Cys)

Gene: F5 (coagulation factor V; minus strand). Cytogenetic location: 1q24.2.
Variant type: single nucleotide variant.
Coding change: c.197A>G on transcript NM_000130.5 (MANE Select); coding-DNA position 197, A replaced by G.
Protein change: p.Tyr66Cys; replaces tyrosine 66 with cysteine.
Molecular consequence: missense variant.
Genome position (GRCh38, 1-based): chr1:169,582,484, T>C on the plus strand (A>G on the coding strand, the complement: F5 is on the minus strand). VCF-style: chr1-169582484-T-C. GRCh37 (hg19) VCF-style: chr1-169551722-T-C.
Other names: p.Tyr66Cys; short protein forms Y66C.
Identifiers: ClinVar variation 4541888 (VCV004541888.1).

ClinVar aggregate classification (germline): Uncertain significance (1 of 4 stars; one submission).

Submission:

Mayo Clinic Laboratories, Mayo Clinic
Classification: Uncertain significance. Last evaluated: 2024-07-26. Review status: criteria provided, single submitter. Criteria: ACMG Guidelines, 2015. Collection method: clinical testing. Allele origin: germline. Observed: 1 variant allele.
Comment: PP3, PM1_supporting, PM2_supporting